The following is an entry in ClinVar:

NM_000093.5(COL5A1):c.1989+5G>C

Gene: COL5A1 (collagen type V alpha 1 chain; plus strand). Cytogenetic location: 9q34.3.
Variant type: single nucleotide variant.
Coding change: c.1989+5G>C on transcript NM_000093.5 (MANE Select); 5 bases into the intron after coding-DNA position 1989, G replaced by C.
Molecular consequence: intron variant.
Genome position (GRCh38, 1-based): chr9:134,761,983, G>C. VCF-style: chr9-134761983-G-C. GRCh37 (hg19) VCF-style: chr9-137653829-G-C.
Other names: c.1989+5G>C (NM_001278074.1).
Identifiers: ClinVar variation 2780141 (VCV002780141.3), dbSNP rs367983882, ClinGen allele CA2739265209.

ClinVar aggregate classification (germline): Uncertain significance (1 of 4 stars; one submission).

Conditions:
Ehlers-Danlos syndrome, classic type, 1 (EDSCL1). Also called: EHLERS-DANLOS SYNDROME, GRAVIS TYPE; EHLERS-DANLOS SYNDROME, SEVERE CLASSIC TYPE; Ehlers-Danlos syndrome, type 1; Ehlers-Danlos Syndrome, Classic Type, COL5A1-Related; EDS I. Identifiers: MedGen C0268335, MONDO:0019567, OMIM 130000.

Submission:

Labcorp Genetics (formerly Invitae), Labcorp
Classification: Uncertain significance for Ehlers-Danlos syndrome, classic type, 1. Last evaluated: 2024-01-25. Review status: criteria provided, single submitter. Criteria: Invitae Variant Classification Sherloc (09022015). Collection method: clinical testing. Allele origin: germline.
Comment: This sequence change falls in intron 19 of the COL5A1 gene. It does not directly change the encoded amino acid sequence of the COL5A1 protein. It affects a nucleotide within the consensus splice site. This variant is not present in population databases (gnomAD no frequency). This variant has not been reported in the literature in individuals affected with COL5A1-related conditions. Variants that disrupt the consensus splice site are a relatively common cause of aberrant splicing (PMID: 17576681, 9536098). Algorithms developed to predict the effect of sequence changes on RNA splicing suggest that this variant may disrupt the consensus splice site. In summary, the available evidence is currently insufficient to determine the role of this variant in disease. Therefore, it has been classified as a Variant of Uncertain Significance.

Literature cited by the submitters: PubMed 17576681; PubMed 9536098.